The following is an entry in ClinVar:

NM_002539.3(ODC1):c.640G>C (p.Asp214His)

Gene: ODC1 (ornithine decarboxylase 1; minus strand). Cytogenetic location: 2p25.1.
Variant type: single nucleotide variant.
Coding change: c.640G>C on transcript NM_002539.3 (MANE Select); coding-DNA position 640, G replaced by C.
Protein change: p.Asp214His; replaces aspartic acid 214 with histidine.
Molecular consequence: missense variant.
Genome position (GRCh38, 1-based): chr2:10,443,516, C>G on the plus strand (G>C on the coding strand, the complement: ODC1 is on the minus strand). VCF-style: chr2-10443516-C-G. GRCh37 (hg19) VCF-style: chr2-10583642-C-G.
Other names: c.253G>C, p.Asp85His (NM_001287188.2); c.640G>C, p.Asp214His (NM_001287189.2, NM_001287190.2); short protein forms D214H, D85H.
Identifiers: ClinVar variation 2662520 (VCV002662520.1), dbSNP rs2528573561, ClinGen allele CA345814908.
Genomic context (GRCh38, chr2:10,443,516, plus strand): 5'-CCCGCCCTTCCCTAACAGGGTCACGTATACTCACCCCCATGTCAAAAACACAGCGGGCAT[C>G]AGAGATTGCCTGCACGAAGGTCTCAGGATCGGTACAGCCGCTTCCTACATGGAAGCTGGG-3'
Protein context (NP_002530.1, residues 204-224): DPETFVQAIS[Asp214His]ARCVFDMGAE

ClinVar aggregate classification (germline): Uncertain significance (1 of 4 stars; one submission).

Submission:

GeneDx
Classification: Uncertain significance. Last evaluated: 2023-04-07. Review status: criteria provided, single submitter. Criteria: GeneDx Variant Classification Process June 2021. Collection method: clinical testing. Allele origin: germline. Affected: yes.
Comment: Not observed at significant frequency in large population cohorts (gnomAD); In silico analysis supports that this missense variant has a deleterious effect on protein structure/function; Has not been previously published as pathogenic or benign to our knowledge